The following is an entry in ClinVar:

NM_032119.4(ADGRV1):c.9990A>T (p.Arg3330Ser)

Gene: ADGRV1 (adhesion G protein-coupled receptor V1; plus strand). Cytogenetic location: 5q14.3.
Variant type: single nucleotide variant.
Coding change: c.9990A>T on transcript NM_032119.4 (MANE Select); coding-DNA position 9990, A replaced by T.
Protein change: p.Arg3330Ser; replaces arginine 3330 with serine.
Molecular consequence: missense variant. On other transcripts: non-coding transcript variant (1).
Genome position (GRCh38, 1-based): chr5:90,725,169, A>T. VCF-style: chr5-90725169-A-T. GRCh37 (hg19) VCF-style: chr5-90020986-A-T.
Other names: short protein forms R3330S.
Identifiers: ClinVar variation 3670601 (VCV003670601.2).

ClinVar aggregate classification (germline): Uncertain significance (1 of 4 stars; one submission).

Submission:

Labcorp Genetics (formerly Invitae), Labcorp
Classification: Uncertain significance. Last evaluated: 2025-10-02. Review status: criteria provided, single submitter. Criteria: Invitae Variant Classification Sherloc (09022015). Collection method: clinical testing. Allele origin: germline.
Comment: This sequence change replaces arginine, which is basic and polar, with serine, which is neutral and polar, at codon 3330 of the ADGRV1 protein (p.Arg3330Ser). This variant is present in population databases (rs751859238, gnomAD 0.001%). This variant has not been reported in the literature in individuals affected with ADGRV1-related conditions. ClinVar contains an entry for this variant (Variation ID: 3670601). An algorithm developed to predict the effect of missense changes on protein structure and function (PolyPhen-2) suggests that this variant is likely to be tolerated. In summary, the available evidence is currently insufficient to determine the role of this variant in disease. Therefore, it has been classified as a Variant of Uncertain Significance.